The following is an entry in ClinVar:

ClinVar aggregate classification (germline): Uncertain significance. Review status: criteria provided, single submitter (1 of 4 stars). 2 submissions from 2 submitters: Uncertain significance (1). 1 of the submissions does not count toward it. Last evaluated 2014-05-20.

Conditions:
PCNT-related disorder. Also called: PCNT-related condition.
Microcephalic osteodysplastic primordial dwarfism type II (MOPD2). Also called: Microcephalic osteodysplastic primordial dwarfism with tooth abnormalities; MOPD II; OSTEODYSPLASTIC PRIMORDIAL DWARFISM, TYPE II. Identifiers: Orphanet 2637, MedGen C0432246, MONDO:0008872, OMIM 210720.

Allele frequency attached by ClinVar (database versions not stated): TOPMed 0.00002; gnomAD 0.00003; gnomAD exomes 0.00003 and 0.00004; ExAC 0.00005; ESP Exome Variant Server 0.00008.
gnomAD v4.1: 51 of 1,613,554 alleles (0.0032%); highest among the groups gnomAD compares: African/African-American, 0.004%; no homozygotes.

Submissions (2):

Genetic Services Laboratory, University of Chicago
Classification: Uncertain significance for Microcephalic osteodysplastic primordial dwarfism, type II. Last evaluated: 2014-05-20. Review status: criteria provided, single submitter. Criteria: ACMG Guidelines, 2015. Collection method: clinical testing. Allele origin: germline. Inheritance: Autosomal recessive inheritance.

PreventionGenetics, part of Exact Sciences
Classification: Uncertain significance for PCNT-related condition. Last evaluated: 2024-09-27. Review status: no assertion criteria provided. Collection method: clinical testing. Allele origin: germline. Not counted in ClinVar's aggregate classification.
Comment: The PCNT c.9719C>T variant is predicted to result in the amino acid substitution p.Pro3240Leu. To our knowledge, this variant has not been reported in the literature. This variant is reported in 0.0062% of alleles in individuals of European (Non-Finnish) descent in gnomAD. At this time, the clinical significance of this variant is uncertain due to the absence of conclusive functional and genetic evidence.

NM_006031.6(PCNT):c.9719C>T (p.Pro3240Leu)

Gene: PCNT (pericentrin; plus strand). Cytogenetic location: 21q22.3.
Variant type: single nucleotide variant.
Coding change: c.9719C>T on transcript NM_006031.6 (MANE Select); coding-DNA position 9719, C replaced by T.
Protein change: p.Pro3240Leu; replaces proline 3240 with leucine.
Molecular consequence: missense variant.
Genome position (GRCh38, 1-based): chr21:46,443,828, C>T. VCF-style: chr21-46443828-C-T. GRCh37 (hg19) VCF-style: chr21-47863741-C-T.
Other names: c.9128C>T, p.Pro3043Leu (NM_001315529.2); short protein forms P3240L, P3043L.
Identifiers: ClinVar variation 159696 (VCV000159696.8), dbSNP rs138860570, ClinGen allele CA251134.